The following is an entry in ClinVar:

NM_001382567.1(STIM1):c.1594C>T (p.Gln532Ter)

Gene: STIM1 (stromal interaction molecule 1; plus strand). Cytogenetic location: 11p15.4.
Variant type: single nucleotide variant.
Coding change: c.1594C>T on transcript NM_001382567.1 (MANE Select); coding-DNA position 1594, C replaced by T.
Protein change: p.Gln532Ter; replaces glutamine 532 with a stop codon.
Molecular consequence: nonsense. On other transcripts: non-coding transcript variant (3).
Genome position (GRCh38, 1-based): chr11:4,086,503, C>T. VCF-style: chr11-4086503-C-T. GRCh37 (hg19) VCF-style: chr11-4107733-C-T.
Other names: c.1501C>T, p.Gln501Ter (NM_001277961.3, NM_001277962.2, NM_003156.4); c.1279C>T, p.Gln427Ter (NM_001382566.1, NM_001382575.1, NM_001382576.1 and 3 more transcripts); c.1522C>T, p.Gln508Ter (NM_001382568.1); c.1366C>T, p.Gln456Ter (NM_001382569.1); c.1273C>T, p.Gln425Ter (NM_001382570.1); c.1021C>T, p.Gln341Ter (NM_001382571.1); c.1012C>T, p.Gln338Ter (NM_001382580.1, NM_001382581.1); short protein forms Q338*, Q341*, Q425*, Q427*, Q456*, Q501*, Q508*, Q532*.
Identifiers: ClinVar variation 3752494 (VCV003752494.2).

ClinVar aggregate classification (germline): Uncertain significance (1 of 4 stars; one submission).

Conditions:
Combined immunodeficiency due to STIM1 deficiency. Also called: IMMUNODEFICIENCY 10; STIM1 DEFICIENCY. Identifiers: Orphanet 169090, Orphanet 317430, MedGen C2748557, MONDO:0013008, OMIM 612783.
Myopathy with tubular aggregates (TAM). Also called: Tubular Aggregate Myopathy. Identifiers: Orphanet 2593, MedGen C0410207, MONDO:0008051.
Stormorken syndrome (STRMK). Also called: THROMBOCYTOPATHY, ASPLENIA, AND MIOSIS. Identifiers: Orphanet 3204, MedGen C1861451, MONDO:0008497, OMIM 185070.

gnomAD v4.1: 5 of 1,614,156 alleles (0.00031%); highest among the groups gnomAD compares: Admixed American, 0.0017%; no homozygotes.

Submission:

Labcorp Genetics (formerly Invitae), Labcorp
Classification: Uncertain significance for Myopathy with tubular aggregates; Combined immunodeficiency due to STIM1 deficiency; Stormorken syndrome. Last evaluated: 2024-12-24. Review status: criteria provided, single submitter. Criteria: Invitae Variant Classification Sherloc (09022015). Collection method: clinical testing. Allele origin: germline.
Comment: This sequence change creates a premature translational stop signal (p.Gln501*) in the STIM1 gene. While this is not anticipated to result in nonsense mediated decay, it is expected to disrupt the last 185 amino acid(s) of the STIM1 protein. This variant is present in population databases (rs753214223, gnomAD 0.0009%). This variant has not been reported in the literature in individuals affected with STIM1-related conditions. Experimental studies and prediction algorithms are not available or were not evaluated, and the functional significance of this variant is currently unknown. In summary, the available evidence is currently insufficient to determine the role of this variant in disease. Therefore, it has been classified as a Variant of Uncertain Significance.